The following is an entry in ClinVar:

NM_006389.5(HYOU1):c.1036G>A (p.Val346Met)

Gene: HYOU1 (hypoxia up-regulated 1; minus strand). Cytogenetic location: 11q23.3.
Variant type: single nucleotide variant.
Coding change: c.1036G>A on transcript NM_006389.5 (MANE Select); coding-DNA position 1036, G replaced by A.
Protein change: p.Val346Met; replaces valine 346 with methionine.
Molecular consequence: missense variant.
Genome position (GRCh38, 1-based): chr11:119,052,381, C>T on the plus strand (G>A on the coding strand, the complement: HYOU1 is on the minus strand). VCF-style: chr11-119052381-C-T. GRCh37 (hg19) VCF-style: chr11-118923093-C-T.
Other names: c.1036G>A, p.Val346Met (NM_001130991.3, NM_001411041.1); short protein forms V346M.
Identifiers: ClinVar variation 2804062 (VCV002804062.3), dbSNP rs1306792165, ClinGen allele CA382942733.

ClinVar aggregate classification (germline): Uncertain significance (1 of 4 stars; one submission).

Allele frequency attached by ClinVar (database versions not stated): TOPMed below 0.00001.

Submission:

Labcorp Genetics (formerly Invitae), Labcorp
Classification: Uncertain significance. Last evaluated: 2023-08-08. Review status: criteria provided, single submitter. Criteria: Invitae Variant Classification Sherloc (09022015). Collection method: clinical testing. Allele origin: germline.
Comment: In summary, the available evidence is currently insufficient to determine the role of this variant in disease. Therefore, it has been classified as a Variant of Uncertain Significance. An algorithm developed to predict the effect of missense changes on protein structure and function (PolyPhen-2) suggests that this variant is likely to be tolerated. This variant has not been reported in the literature in individuals affected with HYOU1-related conditions. This variant is not present in population databases (gnomAD no frequency). This sequence change replaces valine, which is neutral and non-polar, with methionine, which is neutral and non-polar, at codon 346 of the HYOU1 protein (p.Val346Met).